The following is an entry in ClinVar:

ClinVar aggregate classification (germline): Pathogenic (1 of 4 stars; one submission).

Conditions:
Developmental and epileptic encephalopathy. Identifiers: MedGen C5779964, MONDO:0100620.

Submission:

Labcorp Genetics (formerly Invitae), Labcorp
Classification: Pathogenic for Early-infantile DEE. Last evaluated: 2021-08-19. Review status: criteria provided, single submitter. Criteria: Invitae Variant Classification Sherloc (09022015). Collection method: clinical testing. Allele origin: germline.
Comment: This sequence change creates a premature translational stop signal (p.Tyr1684*) in the SCN1A gene. While this is not anticipated to result in nonsense mediated decay, it is expected to disrupt the last 326 amino acid(s) of the SCN1A protein. This variant is not present in population databases (ExAC no frequency). This premature translational stop signal has been observed in individual(s) with clinical features of Dravet syndrome (PMID: 21248271). This variant disrupts a region of the SCN1A protein in which other variant(s) (p.Arg1912*) have been determined to be pathogenic (PMID: 14738421, 20522430, 23195492; Invitae). This suggests that this is a clinically significant region of the protein, and that variants that disrupt it are likely to be disease-causing. For these reasons, this variant has been classified as Pathogenic.

Literature cited by the submitters: PubMed 21248271; PubMed 14738421; PubMed 20522430; PubMed 23195492.

NM_001165963.4(SCN1A):c.5052C>A (p.Tyr1684Ter)

Genes: SCN1A (sodium voltage-gated channel alpha subunit 1; minus strand), LOC102724058 (uncharacterized LOC102724058; plus strand). Cytogenetic location: 2q24.3.
Variant type: single nucleotide variant.
Coding change: c.5052C>A on transcript NM_001165963.4 (MANE Select); coding-DNA position 5052, C replaced by A.
Protein change: p.Tyr1684Ter; replaces tyrosine 1684 with a stop codon.
Molecular consequence: nonsense. On other transcripts: non-coding transcript variant (1).
Genome position (GRCh38, 1-based): chr2:165,992,223, G>T on the plus strand (C>A on the coding strand, the complement: SCN1A is on the minus strand). VCF-style: chr2-165992223-G-T. GRCh37 (hg19) VCF-style: chr2-166848733-G-T.
Other names: c.4968C>A, p.Tyr1656Ter (NM_001165964.3, NM_001353957.2, NM_001353958.2); c.5052C>A, p.Tyr1684Ter (NM_001202435.3, NM_001353948.2); c.5019C>A, p.Tyr1673Ter (NM_001353949.2, NM_001353950.2, NM_001353951.2 and 2 more transcripts); c.5016C>A, p.Tyr1672Ter (NM_001353954.2, NM_001353955.2); c.4965C>A, p.Tyr1655Ter (NM_001353960.2); c.2610C>A, p.Tyr870Ter (NM_001353961.2); short protein forms Y1672*, Y1684*, Y870*, Y1673*, Y1655*, Y1656*.
Identifiers: ClinVar variation 1455801 (VCV001455801.2), dbSNP rs1433806086, ClinGen allele CA349069475.